The following is an entry in ClinVar:

NM_000130.5(F5):c.4891C>T (p.Arg1631Cys)

Gene: F5 (coagulation factor V; minus strand). Cytogenetic location: 1q24.2.
Variant type: single nucleotide variant.
Coding change: c.4891C>T on transcript NM_000130.5 (MANE Select); coding-DNA position 4891, C replaced by T.
Protein change: p.Arg1631Cys; replaces arginine 1631 with cysteine.
Molecular consequence: missense variant.
Genome position (GRCh38, 1-based): chr1:169,536,586, G>A on the plus strand (C>T on the coding strand, the complement: F5 is on the minus strand). VCF-style: chr1-169536586-G-A. GRCh37 (hg19) VCF-style: chr1-169505824-G-A.
Other names: short protein forms R1631C.
Identifiers: ClinVar variation 3714464 (VCV003714464.2).
Genomic context (GRCh38, chr1:169,536,586, plus strand): 5'-CAGCTCTGATAATAGGACCAAGAATTCCGAGATGCTCTTCATACTCCCCTCGAGGATCAC[G>A]TTTGGTAAAAGTGCTGTCGAGGTACTTTCGAAAAACTACTTTCTTATATGTGGTATCTTC-3'
Protein context (NP_000121.2, residues 1621-1641): RKYLDSTFTK[Arg1631Cys]DPRGEYEEHL

ClinVar aggregate classification (germline): Uncertain significance (1 of 4 stars; one submission).

Conditions:
Congenital factor V deficiency. Also called: Hereditary factor V deficiency disease; LABILE FACTOR DEFICIENCY; PARAHEMOPHILIA; OWREN PARAHEMOPHILIA. Identifiers: Orphanet 326, MedGen C0015499, MONDO:0009210, OMIM 227400.

gnomAD v4.1: 28 of 1,613,338 alleles (0.0017%); highest among the groups gnomAD compares: South Asian, 0.014%; 1 homozygote.

Submission:

Labcorp Genetics (formerly Invitae), Labcorp
Classification: Uncertain significance for Congenital factor V deficiency. Last evaluated: 2025-01-01. Review status: criteria provided, single submitter. Criteria: Invitae Variant Classification Sherloc (09022015). Collection method: clinical testing. Allele origin: germline.
Comment: This sequence change replaces arginine, which is basic and polar, with cysteine, which is neutral and slightly polar, at codon 1631 of the F5 protein (p.Arg1631Cys). This variant is present in population databases (rs771962686, gnomAD 0.03%). This variant has not been reported in the literature in individuals affected with F5-related conditions. Invitae Evidence Modeling of protein sequence and biophysical properties (such as structural, functional, and spatial information, amino acid conservation, physicochemical variation, residue mobility, and thermodynamic stability) indicates that this missense variant is expected to disrupt F5 protein function with a positive predictive value of 80%. In summary, the available evidence is currently insufficient to determine the role of this variant in disease. Therefore, it has been classified as a Variant of Uncertain Significance.